The following is an entry in ClinVar:

NM_000834.5(GRIN2B):c.1352G>A (p.Gly451Asp)

Gene: GRIN2B (glutamate ionotropic receptor NMDA type subunit 2B; minus strand). Cytogenetic location: 12p13.1.
Variant type: single nucleotide variant.
Coding change: c.1352G>A on transcript NM_000834.5 (MANE Select); coding-DNA position 1352, G replaced by A.
Protein change: p.Gly451Asp; replaces glycine 451 with aspartic acid.
Molecular consequence: missense variant.
Genome position (GRCh38, 1-based): chr12:13,615,641, C>T on the plus strand (G>A on the coding strand, the complement: GRIN2B is on the minus strand). VCF-style: chr12-13615641-C-T. GRCh37 (hg19) VCF-style: chr12-13768575-C-T.
Other names: c.1352G>A, p.Gly451Asp (NM_001413992.1); short protein forms G451D.
Identifiers: ClinVar variation 4794241 (VCV004794241.1).
Genomic context (GRCh38, chr12:13,615,641, plus strand): 5'-GATTTAGAAATTTTCTTAAGGATGTCAATACAGAACCCCTTGCAGCATTTTTTGATGTAA[C>T]CCGGCTCCTCGTCTGTTTTATTCCTAGCCAATTAAAGAAACAAAAACAAACAAACAAAAA-3'
Protein context (NP_000825.2, residues 441-461): VTENKTDEEP[Gly451Asp]YIKKCCKGFC

ClinVar aggregate classification (germline): Uncertain significance (1 of 4 stars; one submission).

Conditions:
Developmental and epileptic encephalopathy, 27 (DEE27). Also called: Epileptic encephalopathy, early infantile, 27; GRIN2B-Related Neurodevelopmental Disorder. Identifiers: Orphanet 3451, MedGen C4015316, MONDO:0014505, OMIM 616139.
Intellectual developmental disorder, autosomal dominant 6, with or without seizures. Also called: Intellectual disability, autosomal dominant 6; GRIN2B-related developmental delay, intellectual disability and autism spectrum disorder. Identifiers: Orphanet 589547, MedGen C3151411, MONDO:0013509, OMIM 613970.

Submission:

Labcorp Genetics (formerly Invitae), Labcorp
Classification: Uncertain significance for Developmental and epileptic encephalopathy, 27; Intellectual developmental disorder, autosomal dominant 6, with or without seizures. Last evaluated: 2025-04-02. Review status: criteria provided, single submitter. Criteria: Invitae Variant Classification Sherloc (09022015). Collection method: clinical testing. Allele origin: germline.
Comment: This sequence change replaces glycine, which is neutral and non-polar, with aspartic acid, which is acidic and polar, at codon 451 of the GRIN2B protein (p.Gly451Asp). This variant is not present in population databases (gnomAD no frequency). This variant has not been reported in the literature in individuals affected with GRIN2B-related conditions. Invitae Evidence Modeling of protein sequence and biophysical properties (such as structural, functional, and spatial information, amino acid conservation, physicochemical variation, residue mobility, and thermodynamic stability) indicates that this missense variant is not expected to disrupt GRIN2B protein function with a negative predictive value of 95%. In summary, the available evidence is currently insufficient to determine the role of this variant in disease. Therefore, it has been classified as a Variant of Uncertain Significance.